The following is an entry in ClinVar:

ClinVar aggregate classification (germline): Uncertain significance. Review status: criteria provided, multiple submitters, no conflicts (2 of 4 stars). 4 submissions from 4 submitters: Uncertain significance (4). Last evaluated 2026-05-12.

Conditions:
Cardiovascular phenotype. Identifiers: MedGen CN230736.
MYH6-related disorder. Also called: MYH6-related condition; MYH6-Related Disorders.
Hypertrophic cardiomyopathy 14. Identifiers: MedGen C2750467, MONDO:0013197, OMIM 613251.

Allele frequency attached by ClinVar (database versions not stated): ExAC 0.00001; gnomAD exomes 0.00001; TOPMed 0.00001; ESP Exome Variant Server 0.00008.

Submissions (4):

PreventionGenetics, part of Exact Sciences
Classification: Uncertain significance for MYH6-related condition. Last evaluated: 2026-05-12. Review status: criteria provided, single submitter. Criteria: ACMG Guidelines, 2015. Collection method: clinical testing. Allele origin: germline.
Comment: The MYH6 c.440G>A variant is predicted to result in the amino acid substitution p.Arg147Lys. This variant has been reported in a sudden cardiac death case (Bagnall et al. 2016. PubMed ID: 27332903). This variant is reported in 0.0062% of alleles in individuals of African descent in gnomAD. At this time, the clinical significance of this variant is uncertain due to the absence of conclusive functional and genetic evidence.

Labcorp Genetics (formerly Invitae), Labcorp
Classification: Uncertain significance for Hypertrophic cardiomyopathy 14. Last evaluated: 2025-11-30. Review status: criteria provided, single submitter. Criteria: Invitae Variant Classification Sherloc (09022015). Collection method: clinical testing. Allele origin: germline.
Comment: This sequence change replaces arginine, which is basic and polar, with lysine, which is basic and polar, at codon 147 of the MYH6 protein (p.Arg147Lys). This variant is present in population databases (rs377104438, gnomAD 0.007%). This variant has not been reported in the literature in individuals affected with MYH6-related conditions. ClinVar contains an entry for this variant (Variation ID: 1924244). Invitae Evidence Modeling of protein sequence and biophysical properties (such as structural, functional, and spatial information, amino acid conservation, physicochemical variation, residue mobility, and thermodynamic stability) indicates that this missense variant is not expected to disrupt MYH6 protein function with a negative predictive value of 80%. In summary, the available evidence is currently insufficient to determine the role of this variant in disease. Therefore, it has been classified as a Variant of Uncertain Significance.

Ambry Genetics
Classification: Uncertain significance for Cardiovascular phenotype. Last evaluated: 2024-07-03. Review status: criteria provided, single submitter. Criteria: Ambry Variant Classification Scheme 2023. Collection method: clinical testing. Allele origin: germline.
Comment: The p.R147K variant (also known as c.440G>A), located in coding exon 3 of the MYH6 gene, results from a G to A substitution at nucleotide position 440. The arginine at codon 147 is replaced by lysine, an amino acid with highly similar properties. This variant has been reported in a sudden cardiac death cohort (Bagnall RD et al. N Engl J Med, 2016 Jun;374:2441-52). This amino acid position is highly conserved in available vertebrate species. In addition, the in silico prediction for this alteration is inconclusive. Based on the available evidence, the clinical significance of this variant remains unclear.

GeneDx
Classification: Uncertain significance. Last evaluated: 2023-06-01. Review status: criteria provided, single submitter. Criteria: GeneDx Variant Classification Process June 2021. Collection method: clinical testing. Allele origin: germline. Affected: yes.
Comment: Not observed at significant frequency in large population cohorts (gnomAD); In silico analysis supports that this missense variant does not alter protein structure/function; Has not been previously published as pathogenic or benign to our knowledge

Literature cited by the submitters: PubMed 27332903 (cited by Ambry Genetics).

NM_002471.4(MYH6):c.440G>A (p.Arg147Lys)

Genes: MYH6 (myosin heavy chain 6; minus strand), LOC114827851 (VISTA enhancer hs2155; plus strand). Cytogenetic location: 14q11.2.
Variant type: single nucleotide variant.
Coding change: c.440G>A on transcript NM_002471.4 (MANE Select); coding-DNA position 440, G replaced by A.
Protein change: p.Arg147Lys; replaces arginine 147 with lysine.
Molecular consequence: missense variant.
Genome position (GRCh38, 1-based): chr14:23,405,285, C>T on the plus strand (G>A on the coding strand, the complement: MYH6 is on the minus strand). VCF-style: chr14-23405285-C-T. GRCh37 (hg19) VCF-style: chr14-23874494-C-T.
Other names: short protein forms R147K.
Identifiers: ClinVar variation 1924244 (VCV001924244.8), dbSNP rs377104438, ClinGen allele CA7116165.
Genomic context (GRCh38, chr14:23,405,285, plus strand): 5'-GTCAGCATGTACTGATAGGCGTTGTCGGAGATGGAGAAGATGTGGGGCGGGGCCTCACTC[C>T]TCTTCTTGCCCCGGTAGGCGGCCACCACCTCGGCATTGTACACCGGCAGCCACTTGTAGG-3'
Protein context (NP_002462.2, residues 137-157): EVVAAYRGKK[Arg147Lys]SEAPPHIFSI